The following is an entry in ClinVar:

ClinVar aggregate classification (germline): Likely pathogenic (1 of 4 stars; one submission).

Conditions:
Familial adenomatous polyposis 2. Also called: Adenomas, multiple colorectal; MUTYH Polyposis; COLORECTAL ADENOMATOUS POLYPOSIS, AUTOSOMAL RECESSIVE; ADENOMAS, MULTIPLE COLORECTAL, AUTOSOMAL RECESSIVE; FAP type 2; MUTYH-associated polyposis. Identifiers: Orphanet 220460, Orphanet 247798, MedGen C3272841, MONDO:0012041, OMIM 608456.

Submission:

Labcorp Genetics (formerly Invitae), Labcorp
Classification: Likely pathogenic for Familial adenomatous polyposis 2. Last evaluated: 2020-06-28. Review status: criteria provided, single submitter. Criteria: Invitae Variant Classification Sherloc (09022015). Collection method: clinical testing. Allele origin: germline.
Comment: This sequence change affects an acceptor splice site in intron 13 of the MUTYH gene. It is expected to disrupt RNA splicing and likely results in an absent or disrupted protein product. In summary, the currently available evidence indicates that the variant is pathogenic, but additional data are needed to prove that conclusively. Therefore, this variant has been classified as Likely Pathogenic. Donor and acceptor splice site variants typically lead to a loss of protein function (PMID: 16199547), and loss-of-function variants in MUTYH are known to be pathogenic (PMID: 18534194, 20663686). Algorithms developed to predict the effect of sequence changes on RNA splicing suggest that this variant may disrupt the consensus splice site, but this prediction has not been confirmed by published transcriptional studies. This variant has not been reported in the literature in individuals with MUTYH-related conditions. This variant is not present in population databases (ExAC no frequency).

Literature cited by the submitters: PubMed 16199547; PubMed 18534194; PubMed 20663686.

NM_001048174.2(MUTYH):c.1240-1G>A

Gene: MUTYH (mutY DNA glycosylase; minus strand). Cytogenetic location: 1p34.1.
Variant type: single nucleotide variant.
Coding change: c.1240-1G>A on transcript NM_001048174.2 (MANE Select); the canonical splice acceptor site of the intron before coding-DNA position 1240, G replaced by A.
Molecular consequence: splice acceptor variant.
Genome position (GRCh38, 1-based): chr1:45,331,335, C>T on the plus strand (G>A on the coding strand, the complement: MUTYH is on the minus strand). VCF-style: chr1-45331335-C-T. GRCh37 (hg19) VCF-style: chr1-45797007-C-T.
Other names: c.964-1G>A (NM_001407091.1, NM_001293196.2, NM_001293192.2); c.1243-1G>A (NM_001407086.1, NM_001407071.1, NM_001048172.2 and 1 more transcripts); c.1273-1G>A (NM_001293191.2, NM_001407077.1, NM_001407069.1); c.1282-1G>A (NM_001407085.1, NM_001407083.1); c.1240-1G>A (NM_001407088.1, NM_001293195.2, NM_001407089.1 and 6 more transcripts); c.1261-1G>A (NM_001407087.1); c.1324-1G>A (NM_001128425.2); c.895-1G>A (NM_001407082.1, NM_001350650.2, NM_001350651.2); and 5 more.
Identifiers: ClinVar variation 1067948 (VCV001067948.7), dbSNP rs876660837, ClinGen allele CA340132812.